The following is an entry in ClinVar:

ClinVar aggregate classification (germline): Uncertain significance. Review status: criteria provided, multiple submitters, no conflicts (2 of 4 stars). 2 submissions from 2 submitters: Uncertain significance (2). Last evaluated 2025-12-19.

Conditions:
Inborn genetic diseases. Identifiers: MedGen C0950123, MeSH D030342.

gnomAD v4.1: 49 of 1,614,078 alleles (0.003%); highest among the groups gnomAD compares: Non-Finnish European, 0.0041%; no homozygotes.

Submissions (2):

Labcorp Genetics (formerly Invitae), Labcorp
Classification: Uncertain significance. Last evaluated: 2025-12-19. Review status: criteria provided, single submitter. Criteria: Invitae Variant Classification Sherloc (09022015). Collection method: clinical testing. Allele origin: germline.
Comment: This sequence change replaces alanine, which is neutral and non-polar, with valine, which is neutral and non-polar, at codon 825 of the CDH2 protein (p.Ala825Val). The frequency data for this variant in the population databases is considered unreliable, as metrics indicate poor data quality at this position in the gnomAD database. This variant has not been reported in the literature in individuals affected with CDH2-related conditions. ClinVar contains an entry for this variant (Variation ID: 3265227). An algorithm developed to predict the effect of missense changes on protein structure and function (PolyPhen-2) suggests that this variant is likely to be disruptive. In summary, the available evidence is currently insufficient to determine the role of this variant in disease. Therefore, it has been classified as a Variant of Uncertain Significance.

Ambry Genetics
Classification: Uncertain significance for Inborn genetic diseases. Last evaluated: 2025-01-20. Review status: criteria provided, single submitter. Criteria: Ambry Variant Classification Scheme 2023. Collection method: clinical testing. Allele origin: germline.

NM_001792.5(CDH2):c.2474C>T (p.Ala825Val)

Genes: CDH2 (cadherin 2; minus strand), CDH2-AS1 (CDH2 antisense RNA 1; plus strand). Cytogenetic location: 18q12.1.
Variant type: single nucleotide variant.
Coding change: c.2474C>T on transcript NM_001792.5 (MANE Select); coding-DNA position 2474, C replaced by T.
Protein change: p.Ala825Val; replaces alanine 825 with valine.
Molecular consequence: missense variant.
Genome position (GRCh38, 1-based): chr18:27,963,397, G>A on the plus strand (C>T on the coding strand, the complement: CDH2 is on the minus strand). VCF-style: chr18-27963397-G-A. GRCh37 (hg19) VCF-style: chr18-25543361-G-A.
Other names: c.2381C>T, p.Ala794Val (NM_001308176.2); short protein forms A825V, A794V.
Identifiers: ClinVar variation 3265227 (VCV003265227.3).